The following is an entry in ClinVar:

ClinVar aggregate classification (germline): Uncertain significance. Review status: criteria provided, multiple submitters, no conflicts (2 of 4 stars). 2 submissions from 2 submitters: Uncertain significance (2). Last evaluated 2023-11-30.

Conditions:
Retinoblastoma (RB1). Also called: RETINOBLASTOMA, SOMATIC. Identifiers: Orphanet 790, MedGen C0035335, MeSH D012175, MONDO:0008380, OMIM 180200, HP:0009919. Disease mechanism: loss of function. Inheritance: Both sporadic and heritable forms are tested..

Submissions (2):

All of Us Research Program, National Institutes of Health
Classification: Uncertain significance for Retinoblastoma. Last evaluated: 2023-11-30. Review status: criteria provided, single submitter. Criteria: ACMG Guidelines, 2015. Collection method: clinical testing. Allele origin: germline. Inheritance: Autosomal dominant inheritance. Observed: 1 variant allele, 1 heterozygote.
Comment: This study involves interpretation of variants in research participants for the purpose of population health screening. Participant phenotype was not available at the time of variant classification. Additional details can be found in publication PMID: 35346344, PMCID: PMC8962531

Labcorp Genetics (formerly Invitae), Labcorp
Classification: Uncertain significance for Retinoblastoma. Last evaluated: 2023-04-10. Review status: criteria provided, single submitter. Criteria: Invitae Variant Classification Sherloc (09022015). Collection method: clinical testing. Allele origin: germline.
Comment: This variant is not present in population databases (gnomAD no frequency). This sequence change replaces leucine, which is neutral and non-polar, with isoleucine, which is neutral and non-polar, at codon 220 of the RB1 protein (p.Leu220Ile). This variant has not been reported in the literature in individuals affected with RB1-related conditions. In summary, the available evidence is currently insufficient to determine the role of this variant in disease. Therefore, it has been classified as a Variant of Uncertain Significance. Advanced modeling of protein sequence and biophysical properties (such as structural, functional, and spatial information, amino acid conservation, physicochemical variation, residue mobility, and thermodynamic stability) performed at Invitae indicates that this missense variant is not expected to disrupt RB1 protein function. ClinVar contains an entry for this variant (Variation ID: 2046775).

NM_000321.3(RB1):c.658C>A (p.Leu220Ile)

Gene: RB1 (RB transcriptional corepressor 1; plus strand). Cytogenetic location: 13q14.2.
Variant type: single nucleotide variant.
Coding change: c.658C>A on transcript NM_000321.3 (MANE Select); coding-DNA position 658, C replaced by A.
Protein change: p.Leu220Ile; replaces leucine 220 with isoleucine.
Molecular consequence: missense variant.
Genome position (GRCh38, 1-based): chr13:48,360,067, C>A. VCF-style: chr13-48360067-C-A. GRCh37 (hg19) VCF-style: chr13-48934203-C-A.
Other names: c.658C>A, p.Leu220Ile (NM_001407165.1, NM_001407166.1); short protein forms L220I.
Identifiers: ClinVar variation 2046775 (VCV002046775.5), dbSNP rs367960214, ClinGen allele CA388158331.